The following is an entry in ClinVar:

ClinVar aggregate classification (germline): Likely benign (1 of 4 stars; one submission).

Conditions:
GANAB-related disorder. Also called: GANAB-related condition.

gnomAD v4.1: 6 of 1,613,978 alleles (0.00037%); highest among the groups gnomAD compares: Admixed American, 0.0083%; no homozygotes.

Submission:

PreventionGenetics, part of Exact Sciences
Classification: Likely benign for GANAB-related condition. Last evaluated: 2026-06-10. Review status: criteria provided, single submitter. Criteria: ACMG Guidelines, 2015. Collection method: clinical testing. Allele origin: germline.
Comment: This variant is classified as likely benign based on ACMG/AMP sequence variant interpretation guidelines (Richards et al. 2015 PMID: 25741868, with internal and published modifications).

NM_198334.3(GANAB):c.1659G>A (p.Glu553=)

Gene: GANAB (glucosidase II alpha subunit; minus strand). Cytogenetic location: 11q12.3.
Variant type: single nucleotide variant.
Coding change: c.1659G>A on transcript NM_198334.3 (MANE Select); coding-DNA position 1659, G replaced by A.
Protein change: p.Glu553=; no amino-acid change (glutamic acid 553 retained).
Molecular consequence: synonymous variant.
Genome position (GRCh38, 1-based): chr11:62,629,892, C>T on the plus strand (G>A on the coding strand, the complement: GANAB is on the minus strand). VCF-style: chr11-62629892-C-T. GRCh37 (hg19) VCF-style: chr11-62397364-C-T.
Other names: c.1383G>A, p.Glu461= (NM_001278192.2); c.1317G>A, p.Glu439= (NM_001278193.2); c.1368G>A, p.Glu456= (NM_001278194.2, NM_001329222.2, NM_001329223.2); c.936G>A, p.Glu312= (NM_001329224.2, NM_001329225.2); c.1725G>A, p.Glu575= (NM_198335.4).
Identifiers: ClinVar variation 4981632 (VCV004981632.1).